The following is an entry in ClinVar:

ClinVar aggregate classification (germline): Uncertain significance. Review status: criteria provided, multiple submitters, no conflicts (2 of 4 stars). 2 submissions from 2 submitters: Uncertain significance (2). Last evaluated 2024-11-05.

Conditions:
Charcot-Marie-Tooth disease type 2. Also called: Charcot-Marie-Tooth type 2. Identifiers: Orphanet 64746, MedGen C0270914, MONDO:0018993.

Allele frequency attached by ClinVar (database versions not stated): gnomAD exomes below 0.00001.
gnomAD v4.1: 2 of 1,614,170 alleles (0.00012%); highest among the groups gnomAD compares: African/African-American, 0.0013%; no homozygotes.

Submissions (2):

Labcorp Genetics (formerly Invitae), Labcorp
Classification: Uncertain significance for Charcot-Marie-Tooth disease type 2. Last evaluated: 2024-11-05. Review status: criteria provided, single submitter. Criteria: Invitae Variant Classification Sherloc (09022015). Collection method: clinical testing. Allele origin: germline.
Comment: This sequence change replaces leucine, which is neutral and non-polar, with proline, which is neutral and non-polar, at codon 752 of the KIF1B protein (p.Leu752Pro). This variant is not present in population databases (gnomAD no frequency). This variant has not been reported in the literature in individuals affected with KIF1B-related conditions. ClinVar contains an entry for this variant (Variation ID: 935169). Invitae Evidence Modeling of protein sequence and biophysical properties (such as structural, functional, and spatial information, amino acid conservation, physicochemical variation, residue mobility, and thermodynamic stability) indicates that this missense variant is not expected to disrupt KIF1B protein function with a negative predictive value of 80%. In summary, the available evidence is currently insufficient to determine the role of this variant in disease. Therefore, it has been classified as a Variant of Uncertain Significance.

Ambry Genetics
Classification: Uncertain significance. Last evaluated: 2023-11-27. Review status: criteria provided, single submitter. Criteria: Ambry Variant Classification Scheme 2023. Collection method: clinical testing. Allele origin: germline.
Comment: The p.L752P variant (also known as c.2255T>C), located in coding exon 22 of the KIF1B gene, results from a T to C substitution at nucleotide position 2255. The leucine at codon 752 is replaced by proline, an amino acid with similar properties. This amino acid position is conserved. In addition, this alteration is predicted to be deleterious by in silico analysis. The evidence for this gene-disease relationship is limited; therefore, the clinical significance of this alteration is unclear.

NM_001365951.3(KIF1B):c.2393T>C (p.Leu798Pro)

Gene: KIF1B (kinesin family member 1B; plus strand). Cytogenetic location: 1p36.22.
Variant type: single nucleotide variant.
Coding change: c.2393T>C on transcript NM_001365951.3 (MANE Select); coding-DNA position 2393, T replaced by C.
Protein change: p.Leu798Pro; replaces leucine 798 with proline.
Molecular consequence: missense variant.
Genome position (GRCh38, 1-based): chr1:10,323,918, T>C. VCF-style: chr1-10323918-T-C. GRCh37 (hg19) VCF-style: chr1-10383976-T-C.
Other names: c.2393T>C, p.Leu798Pro (NM_001365952.1); c.2255T>C, p.Leu752Pro (NM_015074.3); short protein forms L752P, L798P.
Identifiers: ClinVar variation 935169 (VCV000935169.12), dbSNP rs1651619133, ClinGen allele CA338334419.